The following is an entry in ClinVar:

NM_001127178.3(PIGG):c.191T>A (p.Leu64His)

Gene: PIGG (phosphatidylinositol glycan anchor biosynthesis class G (EMM blood group); plus strand). Cytogenetic location: 4p16.3.
Variant type: single nucleotide variant.
Coding change: c.191T>A on transcript NM_001127178.3 (MANE Select); coding-DNA position 191, T replaced by A.
Protein change: p.Leu64His; replaces leucine 64 with histidine.
Molecular consequence: missense variant. On other transcripts: non-coding transcript variant (10), 5 prime UTR variant (10).
Genome position (GRCh38, 1-based): chr4:500,432, T>A. VCF-style: chr4-500432-T-A. GRCh37 (hg19) VCF-style: chr4-494221-T-A.
Other names: c.-77T>A (NM_001289051.2, NM_001289053.2, NM_001289057.2 and 2 more transcripts); c.191T>A, p.Leu64His (NM_001289052.2, NM_001345989.2, NM_017733.5); c.-246T>A (NM_001289055.2); c.-697T>A (NM_001345988.2); c.-1435T>A (NM_001345990.2); c.-1297T>A (NM_001345991.2); c.-1022T>A (NM_001345994.2); c.191T>A (NM_001127178.1); short protein forms L64H.
Identifiers: ClinVar variation 3719317 (VCV003719317.3).

ClinVar aggregate classification (germline): Uncertain significance. Review status: criteria provided, multiple submitters, no conflicts (2 of 4 stars). 2 submissions from 2 submitters: Uncertain significance (2). Last evaluated 2025-05-14.

Conditions:
Intellectual disability, autosomal recessive 53 (NEDHSCA). Also called: NEURODEVELOPMENTAL DISORDER WITH OR WITHOUT HYPOTONIA, SEIZURES, AND CEREBELLAR ATROPHY; GLYCOSYLPHOSPHATIDYLINOSITOL BIOSYNTHESIS DEFECT 13; Mental retardation, autosomal recessive 53. Identifiers: Orphanet 488635, MedGen C4310794, MONDO:0014832, OMIM 616917.
Inborn genetic diseases. Identifiers: MedGen C0950123, MeSH D030342.

gnomAD v4.1: 4 of 1,613,938 alleles (0.00025%); highest among the groups gnomAD compares: African/African-American, 0.004%; no homozygotes.

Submissions (2):

Ambry Genetics
Classification: Uncertain significance for Inborn genetic diseases. Last evaluated: 2025-05-14. Review status: criteria provided, single submitter. Criteria: Ambry Variant Classification Scheme 2023. Collection method: clinical testing. Allele origin: germline.

Labcorp Genetics (formerly Invitae), Labcorp
Classification: Uncertain significance for Intellectual disability, autosomal recessive 53. Last evaluated: 2024-11-04. Review status: criteria provided, single submitter. Criteria: Invitae Variant Classification Sherloc (09022015). Collection method: clinical testing. Allele origin: germline.
Comment: This sequence change replaces leucine, which is neutral and non-polar, with histidine, which is basic and polar, at codon 64 of the PIGG protein (p.Leu64His). This variant is present in population databases (no rsID available, gnomAD 0.003%). This variant has not been reported in the literature in individuals affected with PIGG-related conditions. Invitae Evidence Modeling of protein sequence and biophysical properties (such as structural, functional, and spatial information, amino acid conservation, physicochemical variation, residue mobility, and thermodynamic stability) has been performed for this missense variant. However, the output from this modeling did not meet the statistical confidence thresholds required to predict the impact of this variant on PIGG protein function. In summary, the available evidence is currently insufficient to determine the role of this variant in disease. Therefore, it has been classified as a Variant of Uncertain Significance.